The following is an entry in ClinVar:

ClinVar aggregate classification (germline): Benign/Likely benign. Review status: criteria provided, multiple submitters, no conflicts (2 of 4 stars). 3 submissions from 3 submitters: Benign (2); Likely benign (1). Last evaluated 2026-01-29.

Conditions:
Early-infantile DEE. Also called: Ohtahara syndrome; Early infantile epileptic encephalopathy; Early infantile epileptic encephalopathy with suppression bursts. Identifiers: Orphanet 1934, MedGen C0393706, MONDO:0800491.

Allele frequency attached by ClinVar (database versions not stated): gnomAD below 0.00001 and 0.00013; TOPMed 0.00004; gnomAD exomes 0.00021 and 0.00046; ExAC 0.00051; 1000 Genomes Project 30x 0.00156; 1000 Genomes Project 0.00200.
gnomAD v4.1: 321 of 1,613,130 alleles (0.02%); highest among the groups gnomAD compares: South Asian, 0.34%; 4 homozygotes.

Submissions (3):

Labcorp Genetics (formerly Invitae), Labcorp
Classification: Benign for Early-infantile DEE. Last evaluated: 2026-01-29. Review status: criteria provided, single submitter. Criteria: Invitae Variant Classification Sherloc (09022015). Collection method: clinical testing. Allele origin: germline.

Blueprint Genetics
Classification: Likely benign. Last evaluated: 2024-09-30. Review status: criteria provided, single submitter. Criteria: ACMG Guidelines, 2015. Collection method: clinical testing. Allele origin: germline.

GeneDx
Classification: Benign. Last evaluated: 2014-11-15. Review status: criteria provided, single submitter. Criteria: GeneDx Variant Classification (06012015). Collection method: clinical testing. Allele origin: germline. Affected: yes.
Comment: This variant is considered likely benign or benign based on one or more of the following criteria: it is a conservative change, it occurs at a poorly conserved position in the protein, it is predicted to be benign by multiple in silico algorithms, and/or has population frequency not consistent with disease.

NM_001330260.2(SCN8A):c.2475C>A (p.Val825=)

Gene: SCN8A (sodium voltage-gated channel alpha subunit 8; plus strand). Cytogenetic location: 12q13.13.
Variant type: single nucleotide variant.
Coding change: c.2475C>A on transcript NM_001330260.2 (MANE Select); coding-DNA position 2475, C replaced by A.
Protein change: p.Val825=; no amino-acid change (valine 825 retained).
Molecular consequence: synonymous variant.
Genome position (GRCh38, 1-based): chr12:51,762,607, C>A. VCF-style: chr12-51762607-C-A. GRCh37 (hg19) VCF-style: chr12-52156391-C-A.
Other names: p.V825V:GTC>GTA; c.2475C>A, p.Val825= (NM_001177984.3, NM_001369788.1, NM_014191.4).
Identifiers: ClinVar variation 207098 (VCV000207098.14), dbSNP rs535061303, ClinGen allele CA318235.